The following is an entry in ClinVar:

ClinVar aggregate classification (germline): Uncertain significance (1 of 4 stars; one submission).

Conditions:
Autosomal dominant hypocalcemia 1 (HYPOC1). Also called: HYPOCALCEMIA, FAMILIAL. Identifiers: MedGen C3715128, MONDO:0011013, OMIM 601198.
Familial hypocalciuric hypercalcemia (FHH). Also called: Familial benign hypercalcemia. Identifiers: Orphanet 405, MedGen C1809471, MONDO:0018458.

Submission:

Labcorp Genetics (formerly Invitae), Labcorp
Classification: Uncertain significance for Familial hypocalciuric hypercalcemia; Autosomal dominant hypocalcemia 1. Last evaluated: 2021-03-14. Review status: criteria provided, single submitter. Criteria: Invitae Variant Classification Sherloc (09022015). Collection method: clinical testing. Allele origin: germline.
Comment: This variant has not been reported in the literature in individuals with CASR-related conditions. In summary, the available evidence is currently insufficient to determine the role of this variant in disease. Therefore, it has been classified as a Variant of Uncertain Significance. Algorithms developed to predict the effect of missense changes on protein structure and function (SIFT, PolyPhen-2, Align-GVGD) all suggest that this variant is likely to be disruptive, but these predictions have not been confirmed by published functional studies and their clinical significance is uncertain. This variant is not present in population databases (ExAC no frequency). This sequence change replaces lysine with asparagine at codon 177 of the CASR protein (p.Lys177Asn). The lysine residue is highly conserved and there is a moderate physicochemical difference between lysine and asparagine.

NM_000388.4(CASR):c.531G>T (p.Lys177Asn)

Gene: CASR (calcium sensing receptor; plus strand). Cytogenetic location: 3q21.1.
Variant type: single nucleotide variant.
Coding change: c.531G>T on transcript NM_000388.4 (MANE Select); coding-DNA position 531, G replaced by T.
Protein change: p.Lys177Asn; replaces lysine 177 with asparagine.
Molecular consequence: missense variant.
Genome position (GRCh38, 1-based): chr3:122,261,566, G>T. VCF-style: chr3-122261566-G-T. GRCh37 (hg19) VCF-style: chr3-121980413-G-T.
Other names: c.531G>T, p.Lys177Asn (NM_001178065.2); short protein forms K177N.
Identifiers: ClinVar variation 963038 (VCV000963038.10), dbSNP rs2074621897, ClinGen allele CA354150787.